The following is an entry in ClinVar:

ClinVar aggregate classification (germline): Pathogenic (1 of 4 stars; one submission).

Submission:

Illumina Laboratory Services, Illumina
Classification: Pathogenic. Last evaluated: 2019-01-09. Review status: criteria provided, single submitter. Criteria: ICSL CNVClassificationCriteria Jul2020Prior. Collection method: clinical testing. Allele origin: unknown.
Comment: This CNV is a 54.4 Mb duplication of 18q11.2-q23 on chromosome 18, (seq[GRCh37]dup(18)(q11.2q23, chr18:g.23626739_78014976dup), found in a de novo state. This CNV constitutes a gain encompassing at least 173 genes. The CNV overlaps the well-described trisomy 18 syndrome, also referred to as Edwards syndrome. This syndrome has an estimated population prevalence of 1 in 8000 live births and a female to male prevalence of 3:1, with better survival rates in females (Cereda and Carey 2012). Unbalanced translocations were seen in affected individuals and were inherited from a parent with a balanced translocation, however some also occurred de novo. Around 94% of cases show full trisomy and 5% show mosaic or partial trisomy. The phenotype of partial trisomy 18 is extremely variable and clinical features include growth delay, microcephaly, genitourinary malformations (cryptorchidism and hypotrophic labia), gastrointestinal malformations, characteristic facial features (prominent occiput, micrognathia, and ear abnormalities), structural heart defects, developmental delay, and intellectual disability. Based on the collective evidence, this CNV is classified as pathogenic.

Literature cited by the submitters: PubMed 23088440.

GRCh37/hg19 18q11.2-23(chr18:23626739-78014976)x3

Genes: ARK2N (arkadia (RNF111) N-terminal like PKA signaling regulator 2N; plus strand), ACAA2 (acetyl-CoA acyltransferase 2; minus strand), ADNP2 (ADNP homeobox 2; plus strand), ALPK2 (alpha kinase 2; minus strand), AQP4 (aquaporin 4; minus strand) and 173 more. Cytogenetic location: 18q11.2-23.
Variant type: copy number gain.
Change: copy number 3 (three copies instead of two) of chr18:23,626,739-78,014,976 (54.39 Mb, GRCh37 coordinates, 1-based), cytogenetic band 18q11.2-23.
Identifiers: ClinVar variation 1180529 (VCV001180529.4).